The following is an entry in ClinVar:

ClinVar aggregate classification (germline): Uncertain significance. Review status: criteria provided, multiple submitters, no conflicts (2 of 4 stars). 5 submissions from 5 submitters: Uncertain significance (4). 1 of the submissions does not count toward it. Last evaluated 2025-04-01.

Conditions:
Retinitis pigmentosa 59 (RP59). Identifiers: Orphanet 791, MedGen C3151227, MONDO:0013468, OMIM 613861.

Allele frequency attached by ClinVar (database versions not stated): gnomAD 0.00001; gnomAD exomes 0.00001; TOPMed 0.00001.
gnomAD v4.1: 9 of 1,613,986 alleles (0.00056%); highest among the groups gnomAD compares: East Asian, 0.0022%; no homozygotes.

Submissions (5):

Labcorp Genetics (formerly Invitae), Labcorp
Classification: Uncertain significance for Retinitis pigmentosa 59. Last evaluated: 2025-04-01. Review status: criteria provided, single submitter. Criteria: Invitae Variant Classification Sherloc (09022015). Collection method: clinical testing. Allele origin: germline.
Comment: This sequence change replaces glutamic acid, which is acidic and polar, with lysine, which is basic and polar, at codon 242 of the DHDDS protein (p.Glu242Lys). This variant is present in population databases (no rsID available, gnomAD 0.002%). This missense change has been observed in individual(s) with autosomal dominant epileptic encephalopathy and/or autosomal recessive retinitis pigmentosa (PMID: 28454995, 36628425). ClinVar contains an entry for this variant (Variation ID: 800922). Invitae Evidence Modeling of protein sequence and biophysical properties (such as structural, functional, and spatial information, amino acid conservation, physicochemical variation, residue mobility, and thermodynamic stability) indicates that this missense variant is not expected to disrupt DHDDS protein function with a negative predictive value of 80%. In summary, the available evidence is currently insufficient to determine the role of this variant in disease. Therefore, it has been classified as a Variant of Uncertain Significance.

Women's Health and Genetics/Laboratory Corporation of America, LabCorp
Classification: Uncertain significance. Last evaluated: 2024-06-26. Review status: criteria provided, single submitter. Criteria: LabCorp Variant Classification Summary - May 2015. Collection method: clinical testing. Allele origin: germline.
Comment: Variant summary: DHDDS c.724G>A (p.Glu242Lys) results in a conservative amino acid change in the encoded protein sequence. Four of five in-silico tools predict a benign effect of the variant on protein function. The variant allele was found at a frequency of 8e-06 in 251454 control chromosomes. c.724G>A has been reported in the literature in homozygous state in an individual affected with Retinitis pigmentosa (Alfares_2017) and in heterozygous state in an individual affected with refractory epilepsy and hyperkinetic movement disorder comprising myoclonus, chorea and ataxia (Mehta_2013). These data indicate that the variant may be associated with disease. To our knowledge, no experimental evidence demonstrating an impact on protein function has been reported. The following publications have been ascertained in the context of this evaluation (PMID: 28454995, 36628425). ClinVar contains an entry for this variant (Variation ID: 800922). Based on the evidence outlined above, the variant was classified as VUS-possibly pathogenic.

Genomic Medicine Center of Excellence, King Faisal Specialist Hospital and Research Centre
Classification: Uncertain significance for Retinitis pigmentosa 59. Last evaluated: 2024-03-26. Review status: criteria provided, single submitter. Criteria: ACMG Guidelines, 2015. Collection method: clinical testing. Allele origin: germline.

Revvity Omics, Revvity
Classification: Uncertain significance. Last evaluated: 2021-05-11. Review status: criteria provided, single submitter. Criteria: ACMG Guidelines, 2015. Collection method: clinical testing. Allele origin: germline.

Biochemical Molecular Genetic Laboratory, King Abdulaziz Medical City
Classification: Likely pathogenic for Retinitis pigmentosa 59. Last evaluated: 2019-09-26. Review status: no assertion criteria provided. Collection method: clinical testing. Allele origin: germline. Affected: yes. Not counted in ClinVar's aggregate classification.

Literature cited by the submitters: PubMed 28454995 (cited by Labcorp Genetics (formerly Invitae), Labcorp and Women's Health and Genetics/Laboratory Corporation of America, LabCorp); PubMed 36628425 (cited by Labcorp Genetics (formerly Invitae), Labcorp and Women's Health and Genetics/Laboratory Corporation of America, LabCorp).

NM_205861.3(DHDDS):c.724G>A (p.Glu242Lys)

Gene: DHDDS (dehydrodolichyl diphosphate synthase subunit; plus strand). Cytogenetic location: 1p36.11.
Variant type: single nucleotide variant.
Coding change: c.724G>A on transcript NM_205861.3 (MANE Select); coding-DNA position 724, G replaced by A.
Protein change: p.Glu242Lys; replaces glutamic acid 242 with lysine.
Molecular consequence: missense variant.
Genome position (GRCh38, 1-based): chr1:26,460,103, G>A. VCF-style: chr1-26460103-G-A. GRCh37 (hg19) VCF-style: chr1-26786594-G-A.
Other names: c.622G>A, p.Glu208Lys (NM_001243564.2); c.607G>A, p.Glu203Lys (NM_001243565.2); c.445G>A, p.Glu149Lys (NM_001319959.2); c.724G>A, p.Glu242Lys (NM_024887.4); short protein forms E149K, E242K, E203K, E208K.
Identifiers: ClinVar variation 800922 (VCV000800922.9), dbSNP rs1229969030, ClinGen allele CA339145254.